The following is an entry in ClinVar:

NM_198904.4(GABRG2):c.670C>T (p.Arg224Ter)

Gene: GABRG2 (gamma-aminobutyric acid type A receptor subunit gamma2; plus strand). Cytogenetic location: 5q34.
Variant type: single nucleotide variant.
Coding change: c.670C>T on transcript NM_198904.4 (MANE Select); coding-DNA position 670, C replaced by T.
Protein change: p.Arg224Ter; replaces arginine 224 with a stop codon.
Molecular consequence: nonsense.
Genome position (GRCh38, 1-based): chr5:162,103,927, C>T. VCF-style: chr5-162103927-C-T. GRCh37 (hg19) VCF-style: chr5-161530933-C-T.
Other names: c.670C>T, p.Arg224Ter (NM_000816.3, NM_001375340.1, NM_001375341.1 and 2 more transcripts); c.661C>T, p.Arg221Ter (NM_001375339.1); c.790C>T, p.Arg264Ter (NM_001375343.1, NM_198903.2); c.604C>T, p.Arg202Ter (NM_001375345.1, NM_001375346.1); c.583C>T, p.Arg195Ter (NM_001375347.1); c.250C>T, p.Arg84Ter (NM_001375348.1, NM_001375350.1); c.385C>T, p.Arg129Ter (NM_001375349.1); short protein forms R224*, R264*, R129*, R195*, R202*, R221*, R84*.
Identifiers: ClinVar variation 620250 (VCV000620250.20), dbSNP rs1045493304, ClinGen allele CA131112329.

ClinVar aggregate classification (germline): Pathogenic/Likely pathogenic. Review status: criteria provided, multiple submitters, no conflicts (2 of 4 stars). 7 submissions from 7 submitters: Pathogenic (5); Likely pathogenic (2). Last evaluated 2025-11-28.

Conditions:
EPILEPSY, CHILDHOOD ABSENCE, SUSCEPTIBILITY TO, 2 (ECA2). Identifiers: Orphanet 64280, MedGen C1843244, OMIM 607681.
Febrile seizures, familial, 8 (FEB8). Also called: CONVULSIONS, FAMILIAL FEBRILE, 8. Identifiers: Orphanet 36387, MedGen C1969810, MONDO:0011891, OMIM 607681.
Inborn genetic diseases. Identifiers: MedGen C0950123, MeSH D030342.
Seizure. Also called: Seizures. Identifiers: MedGen C0036572, HP:0001250.

Submissions (7):

GeneDx
Classification: Likely pathogenic. Last evaluated: 2025-11-28. Review status: criteria provided, single submitter. Criteria: GeneDx Variant Classification Process June 2021. Collection method: clinical testing. Allele origin: germline. Affected: yes.
Comment: Published functional studies demonstrate a damaging effect through slowing receptor deactivation, decreasing whole cell current compared to wild-type, and absent surface level expression of gamma2 subunit (PMID: 36979350); Not observed at significant frequency in large population cohorts (gnomAD); This variant is associated with the following publications: (PMID: 36979350, 40570274)

Cytogénomique, Hospices Civils de Lyon
Classification: Pathogenic for Seizure. Last evaluated: 2025-11-17. Review status: criteria provided, single submitter. Criteria: ACMG Guidelines, 2015. Collection method: clinical testing. Allele origin: unknown. Affected: yes.

Center of Human Genetics, Hôpital Erasme
Classification: Pathogenic for Febrile seizures, familial, 8. Last evaluated: 2025-01-01. Review status: criteria provided, single submitter. Criteria: ACMG Guidelines, 2015. Collection method: clinical testing. Allele origin: inherited. Affected: yes.

Labcorp Genetics (formerly Invitae), Labcorp
Classification: Pathogenic for Febrile seizures, familial, 8; EPILEPSY, CHILDHOOD ABSENCE, SUSCEPTIBILITY TO, 2. Last evaluated: 2024-12-07. Review status: criteria provided, single submitter. Criteria: Invitae Variant Classification Sherloc (09022015). Collection method: clinical testing. Allele origin: germline.
Comment: This sequence change creates a premature translational stop signal (p.Arg224*) in the GABRG2 gene. It is expected to result in an absent or disrupted protein product. Loss-of-function variants in GABRG2 are known to be pathogenic (PMID: 22539854, 22750526, 24407264). This variant is not present in population databases (gnomAD no frequency). This variant has not been reported in the literature in individuals affected with GABRG2-related conditions. ClinVar contains an entry for this variant (Variation ID: 620250). For these reasons, this variant has been classified as Pathogenic.

Ambry Genetics
Classification: Pathogenic for Inborn genetic diseases. Last evaluated: 2024-11-14. Review status: criteria provided, single submitter. Criteria: Ambry Variant Classification Scheme 2023. Collection method: clinical testing. Allele origin: germline.
Comment: The c.670C>T (p.R224*) alteration, located in exon 6 (coding exon 6) of the GABRG2 gene, consists of a C to T substitution at nucleotide position 670. This changes the amino acid from an arginine (R) to a stop codon at amino acid position 224. This alteration is expected to result in loss of function by premature protein truncation or nonsense-mediated mRNA decay. This variant was not reported in population-based cohorts in the Genome Aggregation Database (gnomAD). This variant was reported in an individual with features consistent with GABRG2-related seizure disorders (Hernandez, 2023). Functional analysis demonstrated that the p.R224* variant altered GABAA receptor kinetics, function, and composition (Hernandez, 2023). Based on the available evidence, this alteration is classified as pathogenic.

Institute of Human Genetics, University of Leipzig Medical Center
Classification: Pathogenic for Febrile seizures, familial, 8. Last evaluated: 2023-07-04. Review status: criteria provided, single submitter. Criteria: ACMG Guidelines, 2015. Collection method: clinical testing. Allele origin: paternal. Inheritance: Autosomal dominant inheritance. Affected: yes.
Comment: Criteria applied: PVS1,PS4_MOD,PM2

Institute of Human Genetics Munich, TUM University Hospital
Classification: Likely pathogenic for Febrile seizures, familial, 8. Last evaluated: 2021-09-06. Review status: criteria provided, single submitter. Criteria: Classification criteria August 2017. Collection method: clinical testing. Allele origin: paternal. Inheritance: Autosomal dominant inheritance. Affected: yes. Observed: 1 variant allele.

Literature cited by the submitters: PubMed 22539854 (cited by Labcorp Genetics (formerly Invitae), Labcorp); PubMed 22750526 (cited by Labcorp Genetics (formerly Invitae), Labcorp); PubMed 24407264 (cited by Labcorp Genetics (formerly Invitae), Labcorp); PubMed 36979350 (cited by Ambry Genetics).